The following is an entry in ClinVar:

ClinVar aggregate classification (germline): Uncertain significance (1 of 4 stars; one submission).

Allele frequency attached by ClinVar (database versions not stated): gnomAD 0.00001; gnomAD exomes 0.00002; ExAC 0.00003.
gnomAD v4.1: 29 of 1,613,912 alleles (0.0018%); highest among the groups gnomAD compares: South Asian, 0.031%; no homozygotes.

Submission:

Labcorp Genetics (formerly Invitae), Labcorp
Classification: Uncertain significance. Last evaluated: 2021-09-24. Review status: criteria provided, single submitter. Criteria: Invitae Variant Classification Sherloc (09022015). Collection method: clinical testing. Allele origin: germline.
Comment: This sequence change replaces arginine with lysine at codon 1803 of the LRP2 protein (p.Arg1803Lys). The arginine residue is moderately conserved and there is a small physicochemical difference between arginine and lysine. This variant is present in population databases (rs750182031, ExAC 0.02%). This variant has not been reported in the literature in individuals with LRP2-related conditions. Advanced modeling of protein sequence and biophysical properties (such as structural, functional, and spatial information, amino acid conservation, physicochemical variation, residue mobility, and thermodynamic stability) performed at Invitae indicates that this missense variant is not expected to disrupt LRP2 protein function. In summary, the available evidence is currently insufficient to determine the role of this variant in disease. Therefore, it has been classified as a Variant of Uncertain Significance.

NM_004525.3(LRP2):c.5408G>A (p.Arg1803Lys)

Gene: LRP2 (LDL receptor related protein 2; minus strand). Cytogenetic location: 2q31.1.
Variant type: single nucleotide variant.
Coding change: c.5408G>A on transcript NM_004525.3 (MANE Select); coding-DNA position 5408, G replaced by A.
Protein change: p.Arg1803Lys; replaces arginine 1803 with lysine.
Molecular consequence: missense variant.
Genome position (GRCh38, 1-based): chr2:169,225,440, C>T on the plus strand (G>A on the coding strand, the complement: LRP2 is on the minus strand). VCF-style: chr2-169225440-C-T. GRCh37 (hg19) VCF-style: chr2-170081950-C-T.
Other names: short protein forms R1803K.
Identifiers: ClinVar variation 1397314 (VCV001397314.5), dbSNP rs750182031, ClinGen allele CA1954532.